The following is an entry in ClinVar:

ClinVar aggregate classification (germline): Uncertain significance. Review status: criteria provided, multiple submitters, no conflicts (2 of 4 stars). 3 submissions from 3 submitters: Uncertain significance (3). Last evaluated 2022-03-13.

Submissions (3):

Labcorp Genetics (formerly Invitae), Labcorp
Classification: Uncertain significance. Last evaluated: 2022-03-13. Review status: criteria provided, single submitter. Criteria: Invitae Variant Classification Sherloc (09022015). Collection method: clinical testing. Allele origin: germline.
Comment: This variant, c.953_961del, results in the deletion of 3 amino acid(s) of the COL9A1 protein (p.Lys318_Gly320del), but otherwise preserves the integrity of the reading frame. This variant is present in population databases (rs755136585, gnomAD 0.02%). This variant has not been reported in the literature in individuals affected with COL9A1-related conditions. ClinVar contains an entry for this variant (Variation ID: 501972). Experimental studies and prediction algorithms are not available or were not evaluated, and the functional significance of this variant is currently unknown. In summary, the available evidence is currently insufficient to determine the role of this variant in disease. Therefore, it has been classified as a Variant of Uncertain Significance.

Blueprint Genetics
Classification: Uncertain significance. Last evaluated: 2021-12-01. Review status: criteria provided, single submitter. Criteria: ACMG Guidelines, 2015. Collection method: clinical testing. Allele origin: germline.

Eurofins Ntd Llc (ga)
Classification: Uncertain significance. Last evaluated: 2017-05-23. Review status: criteria provided, single submitter. Criteria: EGL Classification Definitions 2015. Collection method: clinical testing. Allele origin: germline. Observed: 3 variant alleles, 3 heterozygotes.

NM_001851.6(COL9A1):c.953_961del (p.Lys318_Gly320del)

Gene: COL9A1 (collagen type IX alpha 1 chain; minus strand). Cytogenetic location: 6q13.
Variant type: Deletion.
Coding change: c.953_961del on transcript NM_001851.6 (MANE Select); coding-DNA positions 953 to 961, 9 bases deleted (AGCCTGGCA; older notation c.953_961delAGCCTGGCA).
Protein change: p.Lys318_Gly320del.
Molecular consequence: inframe deletion. On other transcripts: non-coding transcript variant (1).
Genome position (GRCh38, 1-based): chr6:70,280,826-70,280,834, TGCCAGGCT deleted on the plus strand (AGCCTGGCA on the coding strand, the reverse complement: COL9A1 is on the minus strand); deleting any 9 consecutive bases within chr6:70,280,826-70,280,838 gives the same sequence; the c. name uses the placement nearest the transcript's 3' end. VCF-style (leftmost placement, unchanged base first): chr6-70280825-GTGCCAGGCT-G. GRCh37 (hg19) VCF-style: chr6-70990528-GTGCCAGGCT-G.
Other names: c.224_232del, p.Lys75_Gly77del (NM_001377289.1, NM_001377290.1, NM_078485.4); c.953_961del, p.Lys318_Gly320del (NM_001377291.1).
Identifiers: ClinVar variation 501972 (VCV000501972.7), dbSNP rs755136585, ClinGen allele CA3882547.